The following is an entry in ClinVar:

ClinVar aggregate classification (germline): Likely benign (0 of 4 stars; one submission).

Conditions:
CIC-related disorder. Also called: CIC-related condition.

Allele frequency attached by ClinVar (database versions not stated): gnomAD exomes 0.00001.
gnomAD v4.1: 9 of 1,612,766 alleles (0.00056%); highest among the groups gnomAD compares: Admixed American, 0.0033%; no homozygotes.

Submission:

PreventionGenetics, part of Exact Sciences
Classification: Likely benign for CIC-related condition. Last evaluated: 2020-05-21. Review status: no assertion criteria provided. Collection method: clinical testing. Allele origin: germline.
Comment: This variant is classified as likely benign based on ACMG/AMP sequence variant interpretation guidelines (Richards et al. 2015 PMID: 25741868, with internal and published modifications).

NM_001386298.1(CIC):c.5259A>G (p.Pro1753=)

Gene: CIC (capicua transcriptional repressor; plus strand). Cytogenetic location: 19q13.2.
Variant type: single nucleotide variant.
Coding change: c.5259A>G on transcript NM_001386298.1 (MANE Select); coding-DNA position 5259, A replaced by G.
Protein change: p.Pro1753=; no amino-acid change (proline 1753 retained).
Molecular consequence: synonymous variant.
Genome position (GRCh38, 1-based): chr19:42,291,300, A>G. VCF-style: chr19-42291300-A-G. GRCh37 (hg19) VCF-style: chr19-42795452-A-G.
Other names: c.5259A>G, p.Pro1753= (NM_001304815.2, NM_001379480.1, NM_001379482.1 and 1 more transcripts); c.2532A>G, p.Pro844= (NM_001379484.1, NM_001379485.1, NM_015125.5).
Identifiers: ClinVar variation 3036152 (VCV003036152.2), dbSNP rs1001181119, ClinGen allele CA308630773.